The following is an entry in ClinVar:

ClinVar aggregate classification (germline): Benign. Review status: criteria provided, multiple submitters, no conflicts (2 of 4 stars). 9 submissions from 9 submitters: Benign (8). 1 of the submissions does not count toward it. Last evaluated 2026-07-01.

Conditions:
Kidney disorder. Also called: Kidney disease; Kidney Diseases; renal disorder; renal disease; Nephropathy. Identifiers: MedGen C0022658, MONDO:0005240, HP:0000112.
Charcot-Marie-Tooth disease dominant intermediate E. Also called: CHARCOT-MARIE-TOOTH NEUROPATHY WITH FOCAL SEGMENTAL GLOMERULONEPHRITIS. Identifiers: Orphanet 93114, MedGen C4302667, MONDO:0013758, OMIM 614455.
Focal segmental glomerulosclerosis 5 (FSGS5). Identifiers: Orphanet 656, MedGen C2750475, MONDO:0013191, OMIM 613237.

Allele frequency attached by ClinVar (database versions not stated): ESP Exome Variant Server 0.00016; gnomAD exomes 0.00209 and 0.00610; gnomAD 0.00242 and 0.00288; TOPMed 0.00347; ExAC 0.00511; 1000 Genomes Project 30x 0.00828; 1000 Genomes Project 0.00899.
gnomAD v4.1: 3,460 of 1,612,706 alleles (0.21%); highest among the groups gnomAD compares: East Asian, 3.7%; 62 homozygotes.

Submissions (9):

CeGaT Center for Human Genetics Tuebingen
Classification: Benign. Last evaluated: 2026-07-01. Review status: criteria provided, single submitter. Criteria: CeGaT Center For Human Genetics Tuebingen Variant Classification Criteria Version 2. Collection method: clinical testing. Allele origin: germline. Affected: yes. Observed: 10 variant alleles.
Comment: INF2: BP4, BS1, BS2

Labcorp Genetics (formerly Invitae), Labcorp
Classification: Benign for Charcot-Marie-Tooth disease dominant intermediate E; Focal segmental glomerulosclerosis 5. Last evaluated: 2026-02-04. Review status: criteria provided, single submitter. Criteria: Invitae Variant Classification Sherloc (09022015). Collection method: clinical testing. Allele origin: germline.

Genome Diagnostics Laboratory, The Hospital for Sick Children
Classification: Benign for Kidney disorder. Last evaluated: 2019-10-01. Review status: criteria provided, single submitter. Criteria: ACMG Guidelines, 2015. Collection method: clinical testing. Allele origin: germline.

Illumina Laboratory Services, Illumina
Classification: Benign for Focal segmental glomerulosclerosis 5. Last evaluated: 2018-01-13. Review status: criteria provided, single submitter. Criteria: ICSL Variant Classification Criteria 13 December 2019. Collection method: clinical testing. Allele origin: germline.
Comment: This variant was observed in the ICSL laboratory as part of a predisposition screen in an ostensibly healthy population. It had not been previously curated by ICSL or reported in the Human Gene Mutation Database (HGMD: prior to June 1st, 2018), and was therefore a candidate for classification through an automated scoring system. Utilizing variant allele frequency, disease prevalence and penetrance estimates, and inheritance mode, an automated score was calculated to assess if this variant is too frequent to cause the disease. Based on the score and internal cut-off values, a variant classified as benign is not then subjected to further curation. The score for this variant resulted in a classification of benign for this disease.

Mayo Clinic Laboratories, Mayo Clinic
Classification: Benign. Last evaluated: 2017-11-10. Review status: criteria provided, single submitter. Criteria: ACMG Guidelines, 2015. Collection method: clinical testing. Allele origin: germline. Observed: 5 variant alleles.

GeneDx
Classification: Benign. Last evaluated: 2016-11-11. Review status: criteria provided, single submitter. Criteria: GeneDx Variant Classification (06012015). Collection method: clinical testing. Allele origin: germline. Affected: yes.
Comment: This variant is considered likely benign or benign based on one or more of the following criteria: it is a conservative change, it occurs at a poorly conserved position in the protein, it is predicted to be benign by multiple in silico algorithms, and/or has population frequency not consistent with disease.

Breakthrough Genomics
Classification: Benign. Review status: criteria provided, single submitter. Criteria: ACMG Guidelines, 2015. Collection method: not provided. Allele origin: germline. Inheritance: Autosomal dominant inheritance. Affected: yes.

PreventionGenetics, part of Exact Sciences
Classification: Benign. Review status: criteria provided, single submitter. Criteria: ACMG Guidelines, 2015. Collection method: clinical testing. Allele origin: germline.

Genetic Services Laboratory, University of Chicago
Classification: Benign. Last evaluated: 2022-07-12. Review status: no assertion criteria provided. Collection method: clinical testing. Allele origin: germline. Affected: no. Not counted in ClinVar's aggregate classification.

NM_022489.4(INF2):c.3404C>T (p.Thr1135Met)

Gene: INF2 (inverted formin 2; plus strand). Cytogenetic location: 14q32.33.
Variant type: single nucleotide variant.
Coding change: c.3404C>T on transcript NM_022489.4 (MANE Select); coding-DNA position 3404, C replaced by T.
Protein change: p.Thr1135Met; replaces threonine 1135 with methionine.
Molecular consequence: missense variant.
Genome position (GRCh38, 1-based): chr14:104,714,566, C>T. VCF-style: chr14-104714566-C-T. GRCh37 (hg19) VCF-style: chr14-105180903-C-T.
Other names: c.3404C>T, p.Thr1135Met (NM_001031714.4); short protein forms T1135M.
Identifiers: ClinVar variation 261620 (VCV000261620.29), dbSNP rs3803311, ClinGen allele CA7373238.